The following is an entry in ClinVar:

NM_002667.5(PLN):c.134del (p.Ile45fs)

Genes: CEP85L (centrosomal protein 85L; minus strand), PLN (phospholamban; plus strand). Cytogenetic location: 6q22.31.
Variant type: Deletion.
Coding change: c.134del on transcript NM_002667.5 (MANE Select); coding-DNA position 134, one base deleted (T; older notation c.134delT).
Protein change: p.Ile45fs; shifts the reading frame from isoleucine 45.
Molecular consequence: frameshift variant. On other transcripts: intron variant (3).
Genome position (GRCh38, 1-based): chr6:118,559,055, T deleted. VCF-style (leftmost placement, unchanged base first): chr6-118559054-AT-A. GRCh37 (hg19) VCF-style: chr6-118880217-AT-A.
Other names: c.1029+6474del (NM_001178035.2); c.1020+6474del (NM_001042475.3, NM_206921.3); short protein forms I45fs.
Identifiers: ClinVar variation 4824612 (VCV004824612.1).

ClinVar aggregate classification (germline): Uncertain significance (1 of 4 stars; one submission).

Conditions:
Cardiovascular phenotype. Identifiers: MedGen CN230736.

Submission:

Ambry Genetics
Classification: Uncertain significance for Cardiovascular phenotype. Last evaluated: 2026-02-25. Review status: criteria provided, single submitter. Criteria: Ambry Variant Classification Scheme 2023. Collection method: clinical testing. Allele origin: germline.
Comment: The c.134delT variant, located in coding exon 1 of the PLN gene, results from a deletion of one nucleotide at nucleotide position 134, causing a translational frameshift with a predicted alternate stop codon (p.I45Tfs*5). This variant was reported in individual(s) with features consistent with non-ischemic cardiomyopathy (Ambry internal data). This variant is expected to result in protein truncation or nonsense-mediated mRNA decay. However, loss of function has not been established as a mechanism of disease. Based on the available evidence, the clinical significance of this variant remains unclear.